The following is an entry in ClinVar:

ClinVar aggregate classification (germline): Pathogenic/Likely pathogenic. Review status: criteria provided, multiple submitters, no conflicts (2 of 4 stars). 9 submissions from 9 submitters: Pathogenic (5); Likely pathogenic (2). 2 of the submissions do not count toward it. Last evaluated 2025-12-14.

Conditions:
Meckel syndrome, type 1 (MKS1). Also called: MECKEL-GRUBER SYNDROME, TYPE 1. Identifiers: Orphanet 564, MedGen C3714506, MONDO:0009571, OMIM 249000.
Bardet-Biedl syndrome 13 (BBS13). Identifiers: Orphanet 110, MedGen C2673873, MONDO:0014441, OMIM 615990.
MKS1-related disorder. Also called: MKS1-related disorders; MKS1-related condition. Identifiers: MedGen CN239382.
Joubert syndrome 28 (JBTS28). Identifiers: MedGen C4310705, MONDO:0014928, OMIM 617121.
Joubert syndrome. Also called: JOUBERT-BOLTSHAUSER SYNDROME; Familial aplasia of the vermis. Identifiers: Orphanet 475, MedGen C5979921, MONDO:0018772.
Meckel-Gruber syndrome. Also called: DYSENCEPHALIA SPLANCHNOCYSTICA; GRUBER SYNDROME; Dysencephalia splachnocystica. Identifiers: Orphanet 564, MedGen C0265215, MONDO:0018921.

Allele frequency attached by ClinVar (database versions not stated): TOPMed below 0.00001; ExAC 0.00001; gnomAD 0.00001 and 0.00002; gnomAD exomes 0.00002.
gnomAD v4.1: 9 of 1,613,986 alleles (0.00056%); highest among the groups gnomAD compares: East Asian, 0.011%; no homozygotes.

Submissions (9):

Natera, Inc.
Classification: Pathogenic for Meckel syndrome type 1. Last evaluated: 2025-12-14. Review status: criteria provided, single submitter. Criteria: Natera Variant Classification Schema (03/2026). Collection method: clinical testing. Allele origin: germline.
Comment: The c.367C>T variant in MKS1 is a nonsense variant predicted to introduce a stop codon at amino acid 123. This variant is expected to result in nonsense mediated decay, truncation, or a dysfunctional protein product. This variant is rare in the general population with a frequency below the threshold expected for the associated phenotype(s). This variant has been observed in one or more individuals affected with the associated recessive disease, as either homozygous or compound heterozygous with a second variant (PMID: 29620724). Given the available evidence, this variant is classified as Pathogenic.

GeneDx
Classification: Likely pathogenic. Last evaluated: 2024-11-04. Review status: criteria provided, single submitter. Criteria: GeneDx Variant Classification Process June 2021. Collection method: clinical testing. Allele origin: germline.
Comment: Nonsense variant predicted to result in protein truncation or nonsense mediated decay in a gene for which loss of function is a known mechanism of disease; This variant is associated with the following publications: (PMID: 31964843, 34645488, 32055034, 29620724)

Labcorp Genetics (formerly Invitae), Labcorp
Classification: Pathogenic for Joubert syndrome; Meckel-Gruber syndrome. Last evaluated: 2024-09-28. Review status: criteria provided, single submitter. Criteria: Invitae Variant Classification Sherloc (09022015). Collection method: clinical testing. Allele origin: germline.
Comment: This sequence change creates a premature translational stop signal (p.Arg123*) in the MKS1 gene. It is expected to result in an absent or disrupted protein product. Loss-of-function variants in MKS1 are known to be pathogenic (PMID: 19466712, 24886560, 26490104). This variant is present in population databases (rs762482919, gnomAD 0.03%). This premature translational stop signal has been observed in individual(s) with clinical features of Meckel syndrome (PMID: 29620724). ClinVar contains an entry for this variant (Variation ID: 917949). For these reasons, this variant has been classified as Pathogenic.

Baylor Genetics
Classification: Pathogenic for Bardet-Biedl syndrome 13. Last evaluated: 2024-03-18. Review status: criteria provided, single submitter. Criteria: ACMG Guidelines, 2015. Collection method: clinical testing. Allele origin: unknown.

Fulgent Genetics
Classification: Pathogenic for Meckel syndrome, type 1; Bardet-Biedl syndrome 13; Joubert syndrome 28. Last evaluated: 2024-03-12. Review status: criteria provided, single submitter. Criteria: ACMG Guidelines, 2015. Collection method: clinical testing. Allele origin: germline.

Blueprint Genetics
Classification: Pathogenic for MKS1-related disorders. Last evaluated: 2023-08-09. Review status: criteria provided, single submitter. Criteria: ACMG Guidelines, 2015. Collection method: clinical testing. Allele origin: germline. Affected: yes. Observed: 5 variant alleles.

Juno Genomics, Hangzhou Juno Genomics, Inc
Classification: Likely pathogenic for Bardet-Biedl syndrome 13; Joubert syndrome 28; Meckel syndrome, type 1. Review status: criteria provided, single submitter. Criteria: ACMG Guidelines, 2015. Collection method: clinical testing. Allele origin: germline.
Comment: Null variant in a gene where loss of function (LOF) is a known mechanism of disease.;Absent from controls (or at extremely low frequency if recessive) in Genome Aggregation Database.

PreventionGenetics, part of Exact Sciences
Classification: Pathogenic for MKS1-related condition. Last evaluated: 2024-03-04. Review status: no assertion criteria provided. Collection method: clinical testing. Allele origin: germline. Not counted in ClinVar's aggregate classification.
Comment: The MKS1 c.367C>T variant is predicted to result in premature protein termination (p.Arg123*). This variant has been reported in the homozygous state in a fetus with posterior encephalocele, hand polydactyly, and bilateral polycystic kidney (Tables S1 and S6, Maddirevula et al. 2018. PubMed ID: 29620724). This variant is reported in 0.026% of alleles in individuals of East Asian descent in gnomAD. Nonsense variants in MKS1 are expected to be pathogenic. This variant is interpreted as pathogenic.

Genomic Medicine Center of Excellence, King Faisal Specialist Hospital and Research Centre
Classification: Pathogenic for Meckel syndrome, type 1. Review status: no assertion criteria provided. Collection method: research. Allele origin: germline. Affected: yes. Not counted in ClinVar's aggregate classification.

Literature cited by the submitters: PubMed 29620724 (cited by Natera, Inc. and Labcorp Genetics (formerly Invitae), Labcorp); PubMed 19466712 (cited by Labcorp Genetics (formerly Invitae), Labcorp); PubMed 24886560 (cited by Labcorp Genetics (formerly Invitae), Labcorp); PubMed 26490104 (cited by Labcorp Genetics (formerly Invitae), Labcorp).

NM_017777.4(MKS1):c.367C>T (p.Arg123Ter)

Gene: MKS1 (MKS transition zone complex subunit 1; minus strand). Cytogenetic location: 17q22.
Variant type: single nucleotide variant.
Coding change: c.367C>T on transcript NM_017777.4 (MANE Select); coding-DNA position 367, C replaced by T.
Protein change: p.Arg123Ter; replaces arginine 123 with a stop codon.
Molecular consequence: nonsense. On other transcripts: 5 prime UTR variant (1).
Genome position (GRCh38, 1-based): chr17:58,216,138, G>A on the plus strand (C>T on the coding strand, the complement: MKS1 is on the minus strand). VCF-style: chr17-58216138-G-A. GRCh37 (hg19) VCF-style: chr17-56293499-G-A.
Other names: c.-145C>T (NM_001321268.2); c.367C>T, p.Arg123Ter (NM_001321269.2, NM_001330397.2); short protein forms R123*.
Identifiers: ClinVar variation 917949 (VCV000917949.22), dbSNP rs762482919, ClinGen allele CA8669557.